The following is an entry in ClinVar:

NM_016529.6(ATP8A2):c.68C>G (p.Ser23Trp)

Gene: ATP8A2 (ATPase phospholipid transporting 8A2). Cytogenetic location: 13q12.13.
Variant type: single nucleotide variant.
Coding change: c.68C>G on transcript NM_016529.6 (MANE Select); coding-DNA position 68, C replaced by G.
Protein change: p.Ser23Trp; replaces serine 23 with tryptophan.
Molecular consequence: missense variant.
Genome position (GRCh38, 1-based): chr13:25,372,280, C>G. VCF-style: chr13-25372280-C-G. GRCh37 (hg19) VCF-style: chr13-25946418-C-G.
Other names: c.68C>G (NM_016529.4); short protein forms S23W.
Identifiers: ClinVar variation 1417260 (VCV001417260.7), dbSNP rs200068509, ClinGen allele CA6922435.

ClinVar aggregate classification (germline): Uncertain significance. Review status: criteria provided, multiple submitters, no conflicts (2 of 4 stars). 3 submissions from 3 submitters: Uncertain significance (3). Last evaluated 2022-06-27.

Conditions:
Inborn genetic diseases. Identifiers: MedGen C0950123, MeSH D030342.

Allele frequency attached by ClinVar (database versions not stated): ExAC 0.00016; gnomAD 0.00026 and 0.00027; 1000 Genomes Project 30x 0.00062.
gnomAD v4.1: 684 of 1,431,836 alleles (0.048%); highest among the groups gnomAD compares: Non-Finnish European, 0.061%; no homozygotes.

Submissions (3):

Ambry Genetics
Classification: Uncertain significance for Inborn genetic diseases. Last evaluated: 2022-06-27. Review status: criteria provided, single submitter. Criteria: Ambry Variant Classification Scheme 2023. Collection method: clinical testing. Allele origin: germline.

Labcorp Genetics (formerly Invitae), Labcorp
Classification: Uncertain significance. Last evaluated: 2022-06-10. Review status: criteria provided, single submitter. Criteria: Invitae Variant Classification Sherloc (09022015). Collection method: clinical testing. Allele origin: germline.
Comment: This sequence change replaces serine, which is neutral and polar, with tryptophan, which is neutral and slightly polar, at codon 23 of the ATP8A2 protein (p.Ser23Trp). This variant is present in population databases (rs200068509, gnomAD 0.05%). This variant has not been reported in the literature in individuals affected with ATP8A2-related conditions. Algorithms developed to predict the effect of missense changes on protein structure and function are either unavailable or do not agree on the potential impact of this missense change (SIFT: "Tolerated"; PolyPhen-2: "Possibly Damaging"; Align-GVGD: "Class C0"). Algorithms developed to predict the effect of sequence changes on RNA splicing suggest that this variant may create or strengthen a splice site. In summary, the available evidence is currently insufficient to determine the role of this variant in disease. Therefore, it has been classified as a Variant of Uncertain Significance.

Breakthrough Genomics
Classification: Uncertain significance. Review status: criteria provided, single submitter. Criteria: ACMG Guidelines, 2015. Collection method: not provided. Allele origin: germline. Inheritance: Autosomal recessive inheritance. Affected: yes.